The following is an entry in ClinVar:

ClinVar aggregate classification (germline): Uncertain significance (1 of 4 stars; one submission).

Submission:

GeneDx
Classification: Uncertain significance. Last evaluated: 2025-04-11. Review status: criteria provided, single submitter. Criteria: GeneDx Variant Classification Process June 2021. Collection method: clinical testing. Allele origin: germline. Affected: yes.
Comment: Not observed in large population cohorts (gnomAD); In silico analysis supports that this missense variant does not alter protein structure/function; Has not been previously published as pathogenic or benign to our knowledge

NM_004606.5(TAF1):c.2766G>A (p.Met922Ile)

Gene: TAF1 (TATA-box binding protein associated factor 1; plus strand). Cytogenetic location: Xq13.1.
Variant type: single nucleotide variant.
Coding change: c.2766G>A on transcript NM_004606.5 (MANE Select); coding-DNA position 2766, G replaced by A.
Protein change: p.Met922Ile; replaces methionine 922 with isoleucine.
Molecular consequence: missense variant. On other transcripts: non-coding transcript variant (9).
Genome position (GRCh38, 1-based): chrX:71,389,650, G>A. VCF-style: chrX-71389650-G-A. GRCh37 (hg19) VCF-style: chrX-70609500-G-A.
Other names: c.2766G>A, p.Met922Ile (NM_001286074.2, NM_001440852.1, NM_001440853.1); c.2703G>A, p.Met901Ile (NM_001440854.1, NM_138923.4); short protein forms M901I, M922I.
Identifiers: ClinVar variation 4282387 (VCV004282387.1).